The following is an entry in ClinVar:

NM_020699.4(GATAD2B):c.597+2_597+3dup

Gene: GATAD2B (GATA zinc finger domain containing 2B; minus strand). Cytogenetic location: 1q21.3.
Variant type: Duplication.
Coding change: c.597+2_597+3dup on transcript NM_020699.4 (MANE Select); the canonical splice donor site of the intron after coding-DNA position 597 through 3 bases into the intron after coding-DNA position 597, 2 bases duplicated (TA; older notation c.597+2_597+3dupTA).
Molecular consequence: splice donor variant.
Genome position (GRCh38, 1-based): chr1:153,818,788-153,818,789, TA duplicated on the plus strand (TA on the coding strand, the reverse complement: GATAD2B is on the minus strand). VCF-style (leftmost placement, unchanged base first): chr1-153818787-T-TTA. GRCh37 (hg19) VCF-style: chr1-153791263-T-TTA.
Identifiers: ClinVar variation 931087 (VCV000931087.3), dbSNP rs1674574746, ClinGen allele CA1139656328.

ClinVar aggregate classification (germline): Uncertain significance (1 of 4 stars; one submission).

Conditions:
Severe intellectual disability-poor language-strabismus-grimacing face-long fingers syndrome (GAND). Also called: GAND SYNDROME. Identifiers: Orphanet 363686, MedGen C3554448, MONDO:0014034, OMIM 615074.

Submission:

Centre for Mendelian Genomics, University Medical Centre Ljubljana
Classification: Uncertain significance for Severe intellectual disability-poor language-strabismus-grimacing face-long fingers syndrome. Last evaluated: 2019-05-13. Review status: criteria provided, single submitter. Criteria: ACMG Guidelines, 2015. Collection method: clinical testing. Allele origin: unknown. Affected: yes.
Comment: This variant was classified as: Uncertain significance. The available evidence on this variant's pathogenicity is insufficient or conflicting. The following ACMG criteria were applied in classifying this variant: PM2,PP3.